The following is an entry in ClinVar:

NM_000426.4(LAMA2):c.8858-229A>G

Gene: LAMA2 (laminin subunit alpha 2; plus strand). Cytogenetic location: 6q22.33.
Variant type: single nucleotide variant.
Coding change: c.8858-229A>G on transcript NM_000426.4 (MANE Select); 229 bases into the intron before coding-DNA position 8858, A replaced by G.
Molecular consequence: intron variant.
Genome position (GRCh38, 1-based): chr6:129,512,134, A>G. VCF-style: chr6-129512134-A-G. GRCh37 (hg19) VCF-style: chr6-129833279-A-G.
Other names: c.8846-229A>G (NM_001079823.2).
Identifiers: ClinVar variation 677671 (VCV000677671.1), dbSNP rs112619785, ClinGen allele CA146927000.
Genomic context (GRCh38, chr6:129,512,134, plus strand): 5'-TTGGTAAGCACAGGGATAAAATGGTGAAAAATATAGACAATGCCCCTGATCTCATAGCAC[A>G]TACATTCTAAAAGGGAAGGTAGCCCAGAAAATAAGCAATAACTAACTATGGAGTGTGTTA-3'

ClinVar aggregate classification (germline): Likely benign (1 of 4 stars; one submission).

Allele frequency attached by ClinVar (database versions not stated): 1000 Genomes Project 30x 0.00328; 1000 Genomes Project 0.00379; gnomAD 0.00830 and 0.00861; TOPMed 0.00838.
gnomAD v4.1: 1,266 of 152,286 alleles (0.83%); highest among the groups gnomAD compares: Non-Finnish European, 1.4%; 11 homozygotes.

Submission:

GeneDx
Classification: Likely benign. Last evaluated: 2018-06-16. Review status: criteria provided, single submitter. Criteria: GeneDx Variant Classification (06012015). Collection method: clinical testing. Allele origin: germline. Affected: yes.
Comment: This variant is considered likely benign or benign based on one or more of the following criteria: it is a conservative change, it occurs at a poorly conserved position in the protein, it is predicted to be benign by multiple in silico algorithms, and/or has population frequency not consistent with disease.